The following is an entry in ClinVar:

ClinVar aggregate classification (germline): Uncertain significance. Review status: criteria provided, multiple submitters, no conflicts (2 of 4 stars). 3 submissions from 3 submitters: Uncertain significance (2). 1 of the submissions does not count toward it. Last evaluated 2021-12-08.

Conditions:
NPHP1-related disorder. Also called: NPHP1-related condition; NPHP1-related disorders.
Nephronophthisis. Also called: Juvenile Nephronophthisis. Identifiers: Orphanet 655, MedGen C0687120, MONDO:0019005, HP:0000090.

Allele frequency attached by ClinVar (database versions not stated): gnomAD 0.00001; TOPMed 0.00002; ExAC 0.00005; gnomAD exomes 0.00005 and 0.00006.

Submissions (3):

Revvity Omics, Revvity
Classification: Uncertain significance. Last evaluated: 2021-12-08. Review status: criteria provided, single submitter. Criteria: ACMG Guidelines, 2015. Collection method: clinical testing. Allele origin: germline.

Labcorp Genetics (formerly Invitae), Labcorp
Classification: Uncertain significance for Nephronophthisis. Last evaluated: 2021-08-31. Review status: criteria provided, single submitter. Criteria: Invitae Variant Classification Sherloc (09022015). Collection method: clinical testing. Allele origin: germline.
Comment: This sequence change replaces glutamic acid with lysine at codon 177 of the NPHP1 protein (p.Glu177Lys). The glutamic acid residue is moderately conserved and there is a small physicochemical difference between glutamic acid and lysine. This variant is present in population databases (rs772166657, ExAC 0.02%). This variant has not been reported in the literature in individuals affected with NPHP1-related conditions. Algorithms developed to predict the effect of missense changes on protein structure and function are either unavailable or do not agree on the potential impact of this missense change (SIFT: "Tolerated"; PolyPhen-2: "Possibly Damaging"; Align-GVGD: "Class C0"). In summary, the available evidence is currently insufficient to determine the role of this variant in disease. Therefore, it has been classified as a Variant of Uncertain Significance.

PreventionGenetics, part of Exact Sciences
Classification: Uncertain significance for NPHP1-related condition. Last evaluated: 2024-09-02. Review status: no assertion criteria provided. Collection method: clinical testing. Allele origin: germline. Not counted in ClinVar's aggregate classification.
Comment: The NPHP1 c.529G>A variant is predicted to result in the amino acid substitution p.Glu177Lys. To our knowledge, this variant has not been reported in the literature. This variant is reported in 0.029% of alleles in individuals of South Asian descent in gnomAD. At this time, the clinical significance of this variant is uncertain due to the absence of conclusive functional and genetic evidence.

NM_001128178.3(NPHP1):c.529G>A (p.Glu177Lys)

Gene: NPHP1 (nephrocystin 1; minus strand). Cytogenetic location: 2q13.
Variant type: single nucleotide variant.
Coding change: c.529G>A on transcript NM_001128178.3 (MANE Select); coding-DNA position 529, G replaced by A.
Protein change: p.Glu177Lys; replaces glutamic acid 177 with lysine.
Molecular consequence: missense variant.
Genome position (GRCh38, 1-based): chr2:110,168,547, C>T on the plus strand (G>A on the coding strand, the complement: NPHP1 is on the minus strand). VCF-style: chr2-110168547-C-T. GRCh37 (hg19) VCF-style: chr2-110926124-C-T.
Other names: c.529G>A (NM_000272.4, NM_000272.3); c.529G>A, p.Glu177Lys (NM_000272.5, NM_001374256.1, NM_001374257.1 and 1 more transcripts); c.343G>A, p.Glu115Lys (NM_001128179.3); short protein forms E115K, E177K.
Identifiers: ClinVar variation 1419317 (VCV001419317.8), dbSNP rs772166657, ClinGen allele CA1827362.